The following is an entry in ClinVar:

NM_080632.3(UPF3B):c.1136G>A (p.Arg379His)

Gene: UPF3B (UPF3B regulator of nonsense mediated mRNA decay; minus strand). Cytogenetic location: Xq24.
Variant type: single nucleotide variant.
Coding change: c.1136G>A on transcript NM_080632.3 (MANE Select); coding-DNA position 1136, G replaced by A.
Protein change: p.Arg379His; replaces arginine 379 with histidine.
Molecular consequence: missense variant.
Genome position (GRCh38, 1-based): chrX:119,837,923, C>T on the plus strand (G>A on the coding strand, the complement: UPF3B is on the minus strand). VCF-style: chrX-119837923-C-T. GRCh37 (hg19) VCF-style: chrX-118971886-C-T.
Other names: c.1097G>A, p.Arg366His (NM_023010.4); short protein forms R366H, R379H.
Identifiers: ClinVar variation 1597732 (VCV001597732.24), dbSNP rs140032597, ClinGen allele CA10503175.

ClinVar aggregate classification (germline): Conflicting classifications of pathogenicity. Review status: criteria provided, conflicting classifications (1 of 4 stars). 4 submissions from 4 submitters: Uncertain significance (1); Likely benign (3). Last evaluated 2025-07-23.

Conditions:
Intellectual developmental disorder, X-linked, syndromic 14. Also called: Syndromic X-linked intellectual disability 14. Identifiers: Orphanet 776, MedGen C1970822, MONDO:0010398, OMIM 300676.

Allele frequency attached by ClinVar (database versions not stated): ExAC 0.00009; ESP Exome Variant Server 0.00009; gnomAD 0.00010 and 0.00011; TOPMed 0.00009; gnomAD exomes 0.00007.
gnomAD v4.1: 111 of 1,208,617 alleles (0.0092%); highest among the groups gnomAD compares: Non-Finnish European, 0.011%; no homozygotes.

Submissions (4):

Labcorp Genetics (formerly Invitae), Labcorp
Classification: Likely benign for Intellectual developmental disorder, X-linked, syndromic 14. Last evaluated: 2025-07-23. Review status: criteria provided, single submitter. Criteria: Invitae Variant Classification Sherloc (09022015). Collection method: clinical testing. Allele origin: germline.

CeGaT Center for Human Genetics Tuebingen
Classification: Likely benign. Last evaluated: 2024-09-01. Review status: criteria provided, single submitter. Criteria: CeGaT Center For Human Genetics Tuebingen Variant Classification Criteria Version 2. Collection method: clinical testing. Allele origin: germline. Affected: yes. Observed: 1 variant allele.
Comment: UPF3B: BP4, BS2

Blueprint Genetics
Classification: Likely benign. Last evaluated: 2023-11-29. Review status: criteria provided, single submitter. Criteria: ACMG Guidelines, 2015. Collection method: clinical testing. Allele origin: germline.

Mendelics
Classification: Uncertain significance. Last evaluated: 2022-05-04. Review status: criteria provided, single submitter. Criteria: Mendelics Assertion Criteria 2019. Collection method: clinical testing. Allele origin: germline.